The following is an entry in ClinVar:

ClinVar aggregate classification (germline): Benign (0 of 4 stars; one submission).

Conditions:
NCOA1-related disorder. Also called: NCOA1-related condition.

Allele frequency attached by ClinVar (database versions not stated): ESP Exome Variant Server 0.81893; 1000 Genomes Project 30x 0.82589; 1000 Genomes Project 0.83606; TOPMed 0.83640; gnomAD 0.83993; ExAC 0.87843; gnomAD exomes 0.89547.
gnomAD v4.1: 1,436,659 of 1,613,934 alleles (89%); highest among the groups gnomAD compares: East Asian, 99%; 642,076 homozygotes.

Submission:

PreventionGenetics, part of Exact Sciences
Classification: Benign for NCOA1-related condition. Last evaluated: 2020-03-16. Review status: no assertion criteria provided. Collection method: clinical testing. Allele origin: germline.
Comment: This variant is classified as benign based on ACMG/AMP sequence variant interpretation guidelines (Richards et al. 2015 PMID: 25741868, with internal and published modifications).

NM_003743.5(NCOA1):c.3801T>G (p.Leu1267=)

Gene: NCOA1 (nuclear receptor coactivator 1; plus strand). Cytogenetic location: 2p23.3.
Variant type: single nucleotide variant.
Coding change: c.3801T>G on transcript NM_003743.5 (MANE Select); coding-DNA position 3801, T replaced by G.
Protein change: p.Leu1267=; no amino-acid change (leucine 1267 retained).
Molecular consequence: synonymous variant.
Genome position (GRCh38, 1-based): chr2:24,752,076, T>G. VCF-style: chr2-24752076-T-G. GRCh37 (hg19) VCF-style: chr2-24974945-T-G.
Other names: c.3801T>G, p.Leu1267= (NM_001362950.1, NM_001362952.1, NM_001362954.1 and 3 more transcripts).
Identifiers: ClinVar variation 3058947 (VCV003058947.2), dbSNP rs11125763, ClinGen allele CA1552716.
Genomic context (GRCh38, chr2:24,752,076, plus strand): 5'-ATCTCTAAGCCCTGGGAGCTCCATGGTGCCGATGCCAATCCCTCCTCCTCAGAGTTCTCT[T>G]CTCCAGCAAACTCCACCTGCCTCCGGGTATCAGTCACCAGACATGAAGGCCTGGCAGCAA-3'
Protein context (NP_003734.3, residues 1257-1277): PMPIPPPQSS[Leu1267=]LQQTPPASGY